The following is an entry in ClinVar:

ClinVar aggregate classification (germline): Pathogenic. Review status: criteria provided, multiple submitters, no conflicts (2 of 4 stars). 7 submissions from 6 submitters: Pathogenic (6). 1 of the submissions does not count toward it. Last evaluated 2024-12-31.

Conditions:
Sotos syndrome (SOTOS). Also called: Distinctive facial appearance, overgrowth in childhood, and learning disabilities or delayed development; CEREBRAL GIGANTISM; Sotos' syndrome; CHROMOSOME 5q35 DELETION SYNDROME; SOTOS SYNDROME 1. Identifiers: Orphanet 821, MedGen C0175695, MONDO:0019349, OMIM 117550.

Submissions (7):

Labcorp Genetics (formerly Invitae), Labcorp
Classification: Pathogenic. Last evaluated: 2024-12-31. Review status: criteria provided, single submitter. Criteria: Invitae Variant Classification Sherloc (09022015). Collection method: clinical testing. Allele origin: germline.
Comment: This sequence change creates a premature translational stop signal (p.Arg1023*) in the NSD1 gene. It is expected to result in an absent or disrupted protein product. Loss-of-function variants in NSD1 are known to be pathogenic (PMID: 12464997, 14571271, 15942875, 16247291). This variant is not present in population databases (gnomAD no frequency). This premature translational stop signal has been observed in individual(s) with Sotos syndrome (PMID: 16247291, 22924495). ClinVar contains an entry for this variant (Variation ID: 159298). For these reasons, this variant has been classified as Pathogenic.

Dubai Health Genomic Medicine Center, Dubai Health
Classification: Pathogenic for Sotos syndrome. Last evaluated: 2024-10-04. Review status: criteria provided, single submitter. Criteria: ACMG Guidelines, 2015. Collection method: research. Allele origin: germline. Affected: yes.
Comment: PVS1,PM3(strong),PM2

3billion
Classification: Pathogenic for Sotos syndrome. Last evaluated: 2022-03-22. Review status: criteria provided, single submitter. Criteria: ACMG Guidelines, 2015. Collection method: clinical testing. Allele origin: germline. Affected: yes. Observed: 1 variant allele, 1 heterozygote.
Comment: Stop-gained (nonsense): predicted to result in a loss or disruption of normal protein function through nonsense-mediated decay (NMD) or protein truncation. Multiple pathogenic variants are reported downstream of the variant.It is not observed in the gnomAD v2.1.1 dataset. The variant has been reported at least twice as pathogenic/likely pathogenic with clinical assertions and evidence for the classification (ClinVar ID: VCV000159298, PMID:15942875). Therefore, this variant is classified as pathogenic according to the recommendation of ACMG/AMP guideline.

Genome-Nilou Lab
Classification: Pathogenic for Sotos syndrome. Last evaluated: 2021-07-15. Review status: criteria provided, single submitter. Criteria: ACMG Guidelines, 2015. Collection method: clinical testing. Allele origin: germline. Affected: no.

GeneDx
Classification: Pathogenic. Last evaluated: 2021-04-22. Review status: criteria provided, single submitter. Criteria: GeneDx Variant Classification Process June 2021. Collection method: clinical testing. Allele origin: germline. Affected: yes.
Comment: Nonsense variant predicted to result in protein truncation or nonsense mediated decay in a gene for which loss-of-function is a known mechanism of disease Not observed in large population cohorts (Lek et al., 2016) This variant is associated with the following publications: (PMID: 24899541, 16247291, 15942875, 22924495, 25525159)

Genetic Services Laboratory, University of Chicago
Classification: Pathogenic for Sotos syndrome 1. Last evaluated: 2013-02-08. Review status: criteria provided, single submitter. Criteria: ACMG Guidelines, 2007. Collection method: clinical testing. Allele origin: germline. Inheritance: Autosomal dominant inheritance. Affected: yes.

Labcorp Genetics (formerly Invitae), Labcorp
Classification: Pathogenic. Last evaluated: 2021-08-27. Review status: flagged submission. Criteria: Invitae Variant Classification Sherloc (09022015). Collection method: clinical testing. Allele origin: germline. Not counted in ClinVar's aggregate classification.
Comment: This sequence change creates a premature translational stop signal (p.Arg1023*) in the NSD1 gene. It is expected to result in an absent or disrupted protein product. Loss-of-function variants in NSD1 are known to be pathogenic (PMID: 12464997, 14571271, 15942875, 16247291). This variant is not present in population databases (ExAC no frequency). This premature translational stop signal has been observed in individual(s) with Sotos syndrome (PMID: 16247291, 22924495). ClinVar contains an entry for this variant (Variation ID: 159298). For these reasons, this variant has been classified as Pathogenic.
ClinVar note: Reason: This record appears to be redundant with a more recent record from the same submitter.
ClinVar note: Notes: SCV001587915 appears to be redundant with SCV000828741.

Literature cited by the submitters: PubMed 12464997 (cited by Labcorp Genetics (formerly Invitae), Labcorp); PubMed 14571271 (cited by Labcorp Genetics (formerly Invitae), Labcorp); PubMed 15942875 (cited by Labcorp Genetics (formerly Invitae), Labcorp and 3billion); PubMed 16247291 (cited by Labcorp Genetics (formerly Invitae), Labcorp); PubMed 22924495 (cited by Labcorp Genetics (formerly Invitae), Labcorp).

NM_022455.5(NSD1):c.3067C>T (p.Arg1023Ter)

Gene: NSD1 (nuclear receptor binding SET domain protein 1; plus strand). Cytogenetic location: 5q35.3.
Variant type: single nucleotide variant.
Coding change: c.3067C>T on transcript NM_022455.5 (MANE Select); coding-DNA position 3067, C replaced by T.
Protein change: p.Arg1023Ter; replaces arginine 1023 with a stop codon.
Molecular consequence: nonsense.
Genome position (GRCh38, 1-based): chr5:177,211,466, C>T. VCF-style: chr5-177211466-C-T. GRCh37 (hg19) VCF-style: chr5-176638467-C-T.
Other names: c.2194C>T, p.Arg732Ter (NM_001365684.2, NM_001409306.1, NM_001409307.1 and 3 more transcripts); c.3067C>T, p.Arg1023Ter (NM_001409301.1, NM_001409302.1, NM_001409303.1); c.2647C>T, p.Arg883Ter (NM_001409304.1); c.2314C>T, p.Arg772Ter (NM_001409305.1); short protein forms R1023*, R754*, R883*, R732*, R772*.
Identifiers: ClinVar variation 159298 (VCV000159298.19), dbSNP rs587784095, ClinGen allele CA294839.
Genomic context (GRCh38, chr5:177,211,466, plus strand): 5'-AGAGACCTCCCTGCTTCTGGTAAAAGTCGTTCAGACTGTGTTACTAGGCGCAACTGTGGA[C>T]GATCAAAGCCTTCATCCAAATTGCGAGATGCTTTTTCAGCCCAAATGGTAAAGAACACAG-3'